The following is an entry in ClinVar:

NM_001903.5(CTNNA1):c.1063-10T>G

Gene: CTNNA1 (catenin alpha 1; plus strand). Cytogenetic location: 5q31.2.
Variant type: single nucleotide variant.
Coding change: c.1063-10T>G on transcript NM_001903.5 (MANE Select); 10 bases into the intron before coding-DNA position 1063, T replaced by G.
Molecular consequence: intron variant.
Genome position (GRCh38, 1-based): chr5:138,886,202, T>G. VCF-style: chr5-138886202-T-G. GRCh37 (hg19) VCF-style: chr5-138221891-T-G.
Other names: c.1063-10T>G (NM_001323982.2, NM_001323984.2, NM_001290307.3 and 4 more transcripts); c.694-10T>G (NM_001290310.3); c.754-10T>G (NM_001290309.3); c.-48-10T>G (NM_001323996.1, NM_001323993.1, NM_001324005.1 and 18 more transcripts); c.-445-10T>G (NM_001324007.1, NM_001324009.1, NM_001324006.1 and 1 more transcripts); c.-320-10T>G (NM_001324013.1); c.-58+10605T>G (NM_001324012.1); c.-61+10605T>G (NM_001324010.1).
Identifiers: ClinVar variation 1145678 (VCV001145678.10), dbSNP rs1035284254, ClinGen allele CA128237354.

ClinVar aggregate classification (germline): Likely benign. Review status: criteria provided, single submitter (1 of 4 stars). 2 submissions from 2 submitters: Likely benign (1). 1 of the submissions does not count toward it. Last evaluated 2025-10-13.

Conditions:
CTNNA1-related disorder. Also called: CTNNA1-related condition.

Allele frequency attached by ClinVar (database versions not stated): gnomAD 0.00001; TOPMed 0.00002.
gnomAD v4.1: 2 of 1,606,138 alleles (0.00012%); highest among the groups gnomAD compares: Non-Finnish European, 0.00017%; no homozygotes.

Submissions (2):

Labcorp Genetics (formerly Invitae), Labcorp
Classification: Likely benign. Last evaluated: 2025-10-13. Review status: criteria provided, single submitter. Criteria: Invitae Variant Classification Sherloc (09022015). Collection method: clinical testing. Allele origin: germline.

PreventionGenetics, part of Exact Sciences
Classification: Likely benign for CTNNA1-related condition. Last evaluated: 2024-03-20. Review status: no assertion criteria provided. Collection method: clinical testing. Allele origin: germline. Not counted in ClinVar's aggregate classification.
Comment: This variant is classified as likely benign based on ACMG/AMP sequence variant interpretation guidelines (Richards et al. 2015 PMID: 25741868, with internal and published modifications).